The following is an entry in ClinVar:

NM_002905.5(RDH5):c.223dup (p.Arg75fs)

Genes: BLOC1S1-RDH5 (BLOC1S1-RDH5 readthrough; plus strand), RDH5 (retinol dehydrogenase 5; plus strand). Cytogenetic location: 12q13.2.
Variant type: Duplication.
Coding change: c.223dup on transcript NM_002905.5 (MANE Select); coding-DNA position 223, one base duplicated (C; older notation c.223dupC).
Protein change: p.Arg75fs; shifts the reading frame from arginine 75.
Molecular consequence: frameshift variant.
Genome position (GRCh38, 1-based): chr12:55,721,407, C duplicated; the last of 3 consecutive C bases (chr12:55,721,405-55,721,407); duplicating any one gives the same sequence. VCF-style (leftmost placement, unchanged base first): chr12-55721404-T-TC. GRCh37 (hg19) VCF-style: chr12-56115188-T-TC.
Other names: c.223dup, p.Arg75fs (NM_001199771.3); short protein forms R75fs.
Identifiers: ClinVar variation 4917115 (VCV004917115.3).

ClinVar aggregate classification (germline): Likely pathogenic. Review status: criteria provided, multiple submitters, no conflicts (2 of 4 stars). 2 submissions from 2 submitters: Likely pathogenic (2). Last evaluated 2021-10-14.

Conditions:
Pigmentary retinal dystrophy. Also called: Fundus albipunctatus. Identifiers: Orphanet 227796, Orphanet 52427, MedGen C0311338, MONDO:0007639, OMIM 136880, HP:0030642.
RDH5-related disorder. Also called: RDH5-related condition.

Submissions (2):

Blueprint Genetics
Classification: Likely pathogenic for RDH5-related disorders. Last evaluated: 2021-10-14. Review status: criteria provided, single submitter. Criteria: ACMG Guidelines, 2015. Collection method: clinical testing. Allele origin: germline. Affected: yes. Observed: 1 variant allele.

Juno Genomics, Hangzhou Juno Genomics, Inc
Classification: Likely pathogenic for Pigmentary retinal dystrophy. Review status: criteria provided, single submitter. Criteria: ACMG Guidelines, 2015. Collection method: clinical testing. Allele origin: germline.
Comment: Null variant in a gene where loss of function (LOF) is a known mechanism of disease.;Absent from controls (or at extremely low frequency if recessive) in Genome Aggregation Database.